The following is an entry in ClinVar:

ClinVar aggregate classification (germline): Likely benign (1 of 4 stars; one submission).

gnomAD v4.1: 21 of 1,209,581 alleles (0.0017%); highest among the groups gnomAD compares: Non-Finnish European, 0.0022%; no homozygotes.

Submission:

CeGaT Center for Human Genetics Tuebingen
Classification: Likely benign. Last evaluated: 2024-10-01. Review status: criteria provided, single submitter. Criteria: CeGaT Center For Human Genetics Tuebingen Variant Classification Criteria Version 2. Collection method: clinical testing. Allele origin: germline. Affected: yes. Observed: 1 variant allele.
Comment: PGAM4: BP4, BP7, BS2

NM_001029891.3(PGAM4):c.114G>A (p.Ala38=)

Genes: ATP7A (ATPase copper transporting alpha; plus strand), PGAM4 (phosphoglycerate mutase family member 4; minus strand). Cytogenetic location: Xq21.1.
Variant type: single nucleotide variant.
Coding change: c.114G>A on transcript NM_001029891.3 (MANE Select); coding-DNA position 114, G replaced by A.
Protein change: p.Ala38=; no amino-acid change (alanine 38 retained).
Molecular consequence: synonymous variant. On other transcripts: intron variant (2).
Genome position (GRCh38, 1-based): chrX:77,969,525, C>T on the plus strand (G>A on the coding strand, the complement: PGAM4 is on the minus strand). VCF-style: chrX-77969525-C-T. GRCh37 (hg19) VCF-style: chrX-77225022-C-T.
Other names: c.-21-2096C>T (NM_000052.7, NM_001282224.2).
Identifiers: ClinVar variation 3388826 (VCV003388826.14).
Genomic context (GRCh38, chrX:77,969,525, plus strand): 5'-TGAGGTGAGGCAGATGTCAAACTCATAGCCAGCATCTCGTAGCGCCTGCCCGCCGCGCTT[C>T]GCCTCCTCGTGGCCCGCCGGGCTCAGATCGGCGTCGTACCAGCAGCTGAAGCGGTTCTCC-3'
Protein context (NP_001025062.1, residues 28-48): ADLSPAGHEE[Ala38=]KRGGQALRDA